The following is an entry in ClinVar:

ClinVar aggregate classification (germline): Likely pathogenic (1 of 4 stars; one submission).

Conditions:
Exudative vitreoretinopathy 4 (EVR4). Identifiers: Orphanet 891, MedGen C1866176, MONDO:0011151, OMIM 601813.

Submission:

Equipe Genetique des Anomalies du Developpement, Université de Bourgogne
Classification: Likely pathogenic for Exudative vitreoretinopathy 4. Last evaluated: 2020-09-29. Review status: criteria provided, single submitter. Criteria: ACMG Guidelines, 2015. Collection method: clinical testing. Allele origin: paternal. Inheritance: Autosomal recessive inheritance. Affected: yes.
Comment: This variant was observed in compound heterozygosity with variant NM_002335.2:c.1270G>A

NM_002335.4(LRP5):c.3077C>G (p.Pro1026Arg)

Gene: LRP5 (LDL receptor related protein 5; plus strand). Cytogenetic location: 11q13.2.
Variant type: single nucleotide variant.
Coding change: c.3077C>G on transcript NM_002335.4 (MANE Select); coding-DNA position 3077, C replaced by G.
Protein change: p.Pro1026Arg; replaces proline 1026 with arginine.
Molecular consequence: missense variant.
Genome position (GRCh38, 1-based): chr11:68,423,538, C>G. VCF-style: chr11-68423538-C-G. GRCh37 (hg19) VCF-style: chr11-68191006-C-G.
Other names: c.1334C>G, p.Pro445Arg (NM_001291902.2); short protein forms P1026R, P445R.
Identifiers: ClinVar variation 982561 (VCV000982561.2), dbSNP rs201745746, ClinGen allele CA381620664.